The following is an entry in ClinVar:

NM_001267550.2(TTN):c.48832del (p.Leu16278fs)

Genes: TTN-AS1 (TTN antisense RNA 1; plus strand), TTN (titin; minus strand), LOC126806426 (BRD4-independent group 4 enhancer GRCh37_chr2:179478848-179480047; plus strand). Cytogenetic location: 2q31.2.
Variant type: Deletion.
Coding change: c.48832del on transcript NM_001267550.2 (MANE Select); coding-DNA position 48832, one base deleted (C; older notation c.48832delC).
Protein change: p.Leu16278fs; shifts the reading frame from leucine 16278.
Molecular consequence: frameshift variant. On other transcripts: non-coding transcript variant (1).
Genome position (GRCh38, 1-based): chr2:178,614,682, G deleted on the plus strand (C on the coding strand, the reverse complement: TTN is on the minus strand). VCF-style (leftmost placement, unchanged base first): chr2-178614681-AG-A. GRCh37 (hg19) VCF-style: chr2-179479408-AG-A.
Other names: c.43909del, p.Leu14637fs (NM_001256850.1); c.21637del, p.Leu7213fs (NM_003319.4); c.41128del, p.Leu13710fs (NM_133378.4); c.22012del, p.Leu7338fs (NM_133432.3); c.22213del, p.Leu7405fs (NM_133437.4); short protein forms L16278fs, L7213fs, L7405fs, L13710fs, L14637fs, L7338fs.
Identifiers: ClinVar variation 2948523 (VCV002948523.3), dbSNP rs2470681533, ClinGen allele CA2740096137.

ClinVar aggregate classification (germline): Likely pathogenic (1 of 4 stars; one submission).

Conditions:
Dilated cardiomyopathy 1G (CMD1G). Identifiers: Orphanet 154, MedGen C1858763, MONDO:0011400, OMIM 604145.
Autosomal recessive limb-girdle muscular dystrophy type 2J (LGMDR10). Also called: Limb-girdle muscular dystrophy, type 2J; MUSCULAR DYSTROPHY, LIMB-GIRDLE, AUTOSOMAL RECESSIVE 10. Identifiers: Orphanet 140922, MedGen C1837342, MONDO:0012127, OMIM 608807.

Submission:

Labcorp Genetics (formerly Invitae), Labcorp
Classification: Likely pathogenic for Dilated cardiomyopathy 1G; Autosomal recessive limb-girdle muscular dystrophy type 2J. Last evaluated: 2023-06-04. Review status: criteria provided, single submitter. Criteria: Invitae Variant Classification Sherloc (09022015). Collection method: clinical testing. Allele origin: germline.
Comment: This variant is located in the A band of TTN (PMID: 25589632). Truncating variants in this region are significantly overrepresented in patients affected with dilated cardiomyopathy (PMID: 25589632). Truncating variants in this region have also been reported in individuals affected with autosomal recessive centronuclear myopathy (PMID: 23975875). This sequence change creates a premature translational stop signal (p.Leu16278Phefs*5) in the TTN gene. While this is not anticipated to result in nonsense mediated decay, it is expected to create a truncated TTN protein. This variant is not present in population databases (gnomAD no frequency). This variant has not been reported in the literature in individuals affected with TTN-related conditions. In summary, the currently available evidence indicates that the variant is pathogenic, but additional data are needed to prove that conclusively. Therefore, this variant has been classified as Likely Pathogenic.

Literature cited by the submitters: PubMed 25589632; PubMed 23975875.